The following is an entry in ClinVar:

NM_001365999.1(SZT2):c.2251A>C (p.Ile751Leu)

Gene: SZT2 (SZT2 subunit of KICSTOR complex; plus strand). Cytogenetic location: 1p34.2.
Variant type: single nucleotide variant.
Coding change: c.2251A>C on transcript NM_001365999.1 (MANE Select); coding-DNA position 2251, A replaced by C.
Protein change: p.Ile751Leu; replaces isoleucine 751 with leucine.
Molecular consequence: missense variant.
Genome position (GRCh38, 1-based): chr1:43,423,312, A>C. VCF-style: chr1-43423312-A-C. GRCh37 (hg19) VCF-style: chr1-43888983-A-C.
Other names: c.2251A>C, p.Ile751Leu (NM_015284.4); short protein forms I751L.
Identifiers: ClinVar variation 1446798 (VCV001446798.6), dbSNP rs1652647799, ClinGen allele CA340011480.

ClinVar aggregate classification (germline): Uncertain significance (1 of 4 stars; one submission).

Allele frequency attached by ClinVar (database versions not stated): gnomAD exomes below 0.00001; gnomAD 0.00001.
gnomAD v4.1: 2 of 1,538,350 alleles (0.00013%); highest among the groups gnomAD compares: Non-Finnish European, 0.00017%; no homozygotes.

Submission:

Labcorp Genetics (formerly Invitae), Labcorp
Classification: Uncertain significance. Last evaluated: 2021-08-31. Review status: criteria provided, single submitter. Criteria: Invitae Variant Classification Sherloc (09022015). Collection method: clinical testing. Allele origin: germline.
Comment: This sequence change replaces isoleucine with leucine at codon 751 of the SZT2 protein (p.Ile751Leu). The isoleucine residue is moderately conserved and there is a small physicochemical difference between isoleucine and leucine. This variant is not present in population databases (ExAC no frequency). This variant has not been reported in the literature in individuals affected with SZT2-related conditions. Algorithms developed to predict the effect of missense changes on protein structure and function (SIFT, PolyPhen-2, Align-GVGD) all suggest that this variant is likely to be tolerated. In summary, the available evidence is currently insufficient to determine the role of this variant in disease. Therefore, it has been classified as a Variant of Uncertain Significance.